The following is an entry in ClinVar:

NM_001257180.2(SLC20A2):c.1802C>T (p.Ser601Leu)

Gene: SLC20A2 (solute carrier family 20 member 2; minus strand). Cytogenetic location: 8p11.21.
Variant type: single nucleotide variant.
Coding change: c.1802C>T on transcript NM_001257180.2 (MANE Select); coding-DNA position 1802, C replaced by T.
Protein change: p.Ser601Leu; replaces serine 601 with leucine.
Molecular consequence: missense variant.
Genome position (GRCh38, 1-based): chr8:42,417,960, G>A on the plus strand (C>T on the coding strand, the complement: SLC20A2 is on the minus strand). VCF-style: chr8-42417960-G-A. GRCh37 (hg19) VCF-style: chr8-42275478-G-A.
Other names: c.1802C>T, p.Ser601Leu (NM_001257181.2, NM_006749.5); short protein forms S601L.
Identifiers: ClinVar variation 29795 (VCV000029795.10), dbSNP rs387906652, ClinGen allele CA346850.

ClinVar aggregate classification (germline): Pathogenic. Review status: criteria provided, single submitter (1 of 4 stars). 4 submissions from 4 submitters: Pathogenic (1). 3 of the submissions do not count toward it. Last evaluated 2019-08-28.

Conditions:
Idiopathic basal ganglia calcification 1 (PFBC1A). Also called: Familial Idiopathic Basal Ganglia Calcification 3; Primary Familial Brain Calcification; Familial Idiopathic Basal Ganglia Calcification 2; PRIMARY FAMILIAL BRAIN CALCIFICATION 1A, AUTOSOMAL DOMINANT; Fahr's syndrome; Cerebral calcification nonarteriosclerotic idiopathic adult-onset. Identifiers: Orphanet 1980, MedGen C4551624, MONDO:0024538, OMIM 213600.

Allele frequency attached by ClinVar (database versions not stated): gnomAD exomes below 0.00001 and 0.00002.
gnomAD v4.1: 26 of 1,612,966 alleles (0.0016%); highest among the groups gnomAD compares: Non-Finnish European, 0.002%; no homozygotes.

Submissions (4):

Victorian Clinical Genetics Services, Murdoch Childrens Research Institute
Classification: Pathogenic for Idiopathic basal ganglia calcification 1. Last evaluated: 2019-08-28. Review status: criteria provided, single submitter. Criteria: ACMG Guidelines, 2015. Collection method: clinical testing. Allele origin: germline. Inheritance: Autosomal dominant inheritance. Affected: yes.
Comment: A heterozygous missense variant, NM_006749.4(SLC20A2):c.1802C>T, has been identified in exon 11 of 11 of the SLC20A2 gene. The variant is predicted to result in a major amino acid change from a serine to a leucine at position 601 of the protein, NP_006740.1(SLC20A2):p.(Ser601Leu). The serine residue at this position has very high conservation (100 vertebrates, UCSC), and is located within the helical transmembrane XI functional domain. In silico predictions for this variant are consistently pathogenic (Polyphen, SIFT, CADD, Mutation Taster). The variant is present in the gnomAD database at a frequency of 0.0004% (1 heterozygote, 0 homozygotes). The variant has previously been described as pathogenic and segregated with disease in a family with familial idiopathic basal ganglia calcification (ClinVar, Wang, C., et al. (2012), Hsu, S., et al. (2013)). Functional analysis in transfected Xenopus oocyte cells demonstrated impaired phosphate uptake activity (Wang, C., et al. (2012)). A different variant in the same codon resulting in a change to a tryptophan, p.(Ser601Trp) has also been reported as pathogenic (ClinVar, Wang, C., et al. (2012)). In addition, functional studies for this variant in both human and Xenopus cell lines showed a similar impairment in phosphate transport (Wang, C., et al. (2012), Guo, X., et al. (2019)). Based on the information available at the time of curation, this variant has been classified as PATHOGENIC.

OMIM
Classification: Pathogenic for PRIMARY FAMILIAL BRAIN CALCIFICATION 1A, AUTOSOMAL DOMINANT. Last evaluated: 2013-02-01. Review status: no assertion criteria provided. Collection method: literature only. Allele origin: germline. Not counted in ClinVar's aggregate classification.

GeneReviews
No classification provided. Condition: Idiopathic basal ganglia calcification 1. Review status: no classification provided. Collection method: literature only. Allele origin: unknown. Not counted in ClinVar's aggregate classification.

Genomics England Pilot Project, Genomics England
Classification: Likely pathogenic for Idiopathic basal ganglia calcification 1. Review status: no assertion criteria provided. Criteria: ACGS Guidelines, 2016. Collection method: clinical testing. Allele origin: germline. Affected: yes. Not counted in ClinVar's aggregate classification.

Literature cited by the submitters: PubMed 22327515 (cited by OMIM and GeneReviews); PubMed 23334463 (cited by OMIM and GeneReviews); PubMed 20301594 (cited by GeneReviews); NCBI Bookshelf NBK1421 (cited by GeneReviews).